The following is an entry in ClinVar:

NM_024105.4(ALG12):c.875C>T (p.Thr292Met)

Gene: ALG12 (ALG12 alpha-1,6-mannosyltransferase; minus strand). Cytogenetic location: 22q13.33.
Variant type: single nucleotide variant.
Coding change: c.875C>T on transcript NM_024105.4 (MANE Select); coding-DNA position 875, C replaced by T.
Protein change: p.Thr292Met; replaces threonine 292 with methionine.
Molecular consequence: missense variant.
Genome position (GRCh38, 1-based): chr22:49,907,838, G>A on the plus strand (C>T on the coding strand, the complement: ALG12 is on the minus strand). VCF-style: chr22-49907838-G-A. GRCh37 (hg19) VCF-style: chr22-50301486-G-A.
Other names: short protein forms T292M.
Identifiers: ClinVar variation 2198258 (VCV002198258.5), dbSNP rs753389161, ClinGen allele CA10300415.

ClinVar aggregate classification (germline): Conflicting classifications of pathogenicity. Review status: criteria provided, conflicting classifications (1 of 4 stars). 3 submissions from 3 submitters: Uncertain significance (2); Likely benign (1). Last evaluated 2025-06-18.

Conditions:
Inborn genetic diseases. Identifiers: MedGen C0950123, MeSH D030342.
ALG12-congenital disorder of glycosylation (CDG1G). Also called: CDG Ig; Congenital disorder of glycosylation, type Ig; ALG12-CDG. Identifiers: Orphanet 79324, MedGen C2931001, MONDO:0011783, OMIM 607143.

Allele frequency attached by ClinVar (database versions not stated): gnomAD 0.00001; TOPMed 0.00002; ExAC 0.00003; gnomAD exomes 0.00003.
gnomAD v4.1: 46 of 1,613,914 alleles (0.0029%); highest among the groups gnomAD compares: Admixed American, 0.005%; 1 homozygote.

Submissions (3):

Ambry Genetics
Classification: Uncertain significance for Inborn genetic diseases. Last evaluated: 2025-06-18. Review status: criteria provided, single submitter. Criteria: Ambry Variant Classification Scheme 2023. Collection method: clinical testing. Allele origin: germline.

Labcorp Genetics (formerly Invitae), Labcorp
Classification: Uncertain significance for ALG12-congenital disorder of glycosylation. Last evaluated: 2024-12-02. Review status: criteria provided, single submitter. Criteria: Invitae Variant Classification Sherloc (09022015). Collection method: clinical testing. Allele origin: germline.
Comment: This sequence change replaces threonine, which is neutral and polar, with methionine, which is neutral and non-polar, at codon 292 of the ALG12 protein (p.Thr292Met). This variant is present in population databases (rs753389161, gnomAD 0.007%). This variant has not been reported in the literature in individuals affected with ALG12-related conditions. ClinVar contains an entry for this variant (Variation ID: 2198258). Invitae Evidence Modeling of protein sequence and biophysical properties (such as structural, functional, and spatial information, amino acid conservation, physicochemical variation, residue mobility, and thermodynamic stability) indicates that this missense variant is not expected to disrupt ALG12 protein function with a negative predictive value of 80%. In summary, the available evidence is currently insufficient to determine the role of this variant in disease. Therefore, it has been classified as a Variant of Uncertain Significance.

Dasa
Classification: Likely benign. Last evaluated: 2024-11-14. Review status: criteria provided, single submitter. Criteria: DASA Assertion Criteria. Collection method: clinical testing. Allele origin: germline.
Comment: NM_024105.4(ALG12):c.875C>T (p.Thr292Met) is a missense variant that results in the substitution of threonine with methionine. Multiple computational predictions suggest no deleterious effect on the gene or gene product. The variant is present at low frequency in population datasets. Based on the available data, this variant is classified as likely benign.